The following is an entry in ClinVar:

NM_000152.5(GAA):c.693-2A>C

Gene: GAA (alpha glucosidase; plus strand). Cytogenetic location: 17q25.3.
Variant type: single nucleotide variant.
Coding change: c.693-2A>C on transcript NM_000152.5 (MANE Select); the canonical splice acceptor site of the intron before coding-DNA position 693, A replaced by C.
Molecular consequence: splice acceptor variant.
Genome position (GRCh38, 1-based): chr17:80,107,555, A>C. VCF-style: chr17-80107555-A-C. GRCh37 (hg19) VCF-style: chr17-78081354-A-C.
Other names: c.693-2A>C (NM_001406741.1, NM_001406742.1, NM_001079803.3 and 1 more transcripts).
Identifiers: ClinVar variation 2099113 (VCV002099113.5), dbSNP rs1555599571, ClinGen allele CA401362933.
Genomic context (GRCh38, chr17:80,107,555, plus strand): 5'-GTGCTCTCAGGCTCGTGTGGCCCCTTGGGTGTGAGCAAGCCTGGCTGGCCTCTGTCCCGC[A>C]GGCTGAACACGACGGTGGCGCCCCTGTTCTTTGCGGACCAGTTCCTTCAGCTGTCCACCT-3'

ClinVar aggregate classification (germline): Pathogenic/Likely pathogenic. Review status: criteria provided, multiple submitters, no conflicts (2 of 4 stars). 2 submissions from 2 submitters: Pathogenic (1); Likely pathogenic (1). Last evaluated 2026-07-01.

Conditions:
Glycogen storage disease, type II (IOPD). Also called: CARDIOMEGALIA GLYCOGENICA DIFFUSA; GLYCOGENOSIS, GENERALIZED, CARDIAC FORM; GSD II; Glycogen storage disease type 2; Acid maltase deficiency disease; Aglucosidase alfa. Identifiers: Orphanet 365, MedGen C0017921, MONDO:0009290, OMIM 232300.

Submissions (2):

Genomenon, Inc
Classification: Pathogenic for Glycogen storage disease, type II. Last evaluated: 2026-07-01. Review status: criteria provided, single submitter. Criteria: Genomenon Sequence Variant Interpretation Standards - Updated. Collection method: curation. Allele origin: germline. Affected: yes.
Comment: GAA c.693-2A>C is a canonical splice variant affecting the acceptor splice site of intron 3. It is predicted to affect mRNA splicing, leading to a deleterious effect on the GAA protein. This variant has been observed in at least one proband with a GAA-related disorder (PMID:39161458). It is absent or not present at a significant frequency in gnomAD. In conclusion, we classify GAA c.693-2A>C as a pathogenic variant.

Labcorp Genetics (formerly Invitae), Labcorp
Classification: Likely pathogenic for Glycogen storage disease, type II. Last evaluated: 2022-03-13. Review status: criteria provided, single submitter. Criteria: Invitae Variant Classification Sherloc (09022015). Collection method: clinical testing. Allele origin: germline.
Comment: In summary, the currently available evidence indicates that the variant is pathogenic, but additional data are needed to prove that conclusively. Therefore, this variant has been classified as Likely Pathogenic. Algorithms developed to predict the effect of sequence changes on RNA splicing suggest that this variant may disrupt the consensus splice site. This variant has not been reported in the literature in individuals affected with GAA-related conditions. This variant is not present in population databases (gnomAD no frequency). This sequence change affects an acceptor splice site in intron 3 of the GAA gene. It is expected to disrupt RNA splicing. Variants that disrupt the donor or acceptor splice site typically lead to a loss of protein function (PMID: 16199547), and loss-of-function variants in GAA are known to be pathogenic (PMID: 18425781, 22252923).

Literature cited by the submitters: PubMed 39161458 (cited by Genomenon, Inc); PubMed 16199547 (cited by Labcorp Genetics (formerly Invitae), Labcorp); PubMed 18425781 (cited by Labcorp Genetics (formerly Invitae), Labcorp); PubMed 22252923 (cited by Labcorp Genetics (formerly Invitae), Labcorp).